The following is an entry in ClinVar:

NC_000022.10:g.(?_32234651)_(32234851_?)del

Gene: DEPDC5 (DEP domain containing 5, GATOR1 subcomplex subunit; plus strand). Cytogenetic location: 22q12.3.
Variant type: Deletion.
Identifiers: ClinVar variation 2423989 (VCV002423989.4).

ClinVar aggregate classification (germline): Pathogenic (1 of 4 stars; one submission).

Conditions:
Familial focal epilepsy with variable foci (FPEVF). Identifiers: Orphanet 98820, MedGen C1858477, MONDO:0020310.

Submission:

Labcorp Genetics (formerly Invitae), Labcorp
Classification: Pathogenic for Familial focal epilepsy with variable foci. Last evaluated: 2022-09-03. Review status: criteria provided, single submitter. Criteria: Invitae Variant Classification Sherloc (09022015). Collection method: clinical testing. Allele origin: germline.
Comment: For these reasons, this variant has been classified as Pathogenic. This variant has not been reported in the literature in individuals affected with DEPDC5-related conditions. This variant is a gross deletion of the genomic region encompassing exon(s) 27 of the DEPDC5 gene. This deletion is out-of-frame, and is expected to create a premature termination codon and result in an absent or disrupted protein product. Loss-of-function variants in DEPDC5 are known to be pathogenic (PMID: 23542697, 23542701).

Literature cited by the submitters: PubMed 23542697; PubMed 23542701.